The following is an entry in ClinVar:

NM_001122752.2(SERPINI1):c.140T>C (p.Leu47Pro)

Gene: SERPINI1 (serpin family I member 1; plus strand). Cytogenetic location: 3q26.1.
Variant type: single nucleotide variant.
Coding change: c.140T>C on transcript NM_001122752.2 (MANE Select); coding-DNA position 140, T replaced by C.
Protein change: p.Leu47Pro; replaces leucine 47 with proline.
Molecular consequence: missense variant.
Genome position (GRCh38, 1-based): chr3:167,789,268, T>C. VCF-style: chr3-167789268-T-C. GRCh37 (hg19) VCF-style: chr3-167507056-T-C.
Other names: c.140T>C, p.Leu47Pro (NM_005025.5); short protein forms L47P.
Identifiers: ClinVar variation 2203461 (VCV002203461.4), dbSNP rs2476220929, ClinGen allele CA355155624.

ClinVar aggregate classification (germline): Uncertain significance (1 of 4 stars; one submission).

Conditions:
Familial encephalopathy with neuroserpin inclusion bodies. Also called: ENCEPHALOPATHY, FAMILIAL, WITH COLLINS BODIES. Identifiers: Orphanet 85110, MedGen C1858680, MONDO:0011412, OMIM 604218.

Submission:

Labcorp Genetics (formerly Invitae), Labcorp
Classification: Uncertain significance for Familial encephalopathy with neuroserpin inclusion bodies. Last evaluated: 2023-05-15. Review status: criteria provided, single submitter. Criteria: Invitae Variant Classification Sherloc (09022015). Collection method: clinical testing. Allele origin: germline.
Comment: Advanced modeling of protein sequence and biophysical properties (such as structural, functional, and spatial information, amino acid conservation, physicochemical variation, residue mobility, and thermodynamic stability) has been performed at Invitae for this missense variant, however the output from this modeling did not meet the statistical confidence thresholds required to predict the impact of this variant on SERPINI1 protein function. In summary, the available evidence is currently insufficient to determine the role of this variant in disease. Therefore, it has been classified as a Variant of Uncertain Significance. This variant is not present in population databases (gnomAD no frequency). This missense change has been observed in individuals with familial encephalopathy with neuroserpin inclusion bodies (PMID: 21435071, 29249370). It has also been observed to segregate with disease in related individuals. ClinVar contains an entry for this variant (Variation ID: 2203461). This sequence change replaces leucine, which is neutral and non-polar, with proline, which is neutral and non-polar, at codon 47 of the SERPINI1 protein (p.Leu47Pro).

Literature cited by the submitters: PubMed 21435071; PubMed 29249370.